The following is an entry in ClinVar:

NM_000053.4(ATP7B):c.3963_3964dup (p.Arg1322fs)

Gene: ATP7B (ATPase copper transporting beta; minus strand). Cytogenetic location: 13q14.3.
Variant type: Duplication.
Coding change: c.3963_3964dup on transcript NM_000053.4 (MANE Select); coding-DNA positions 3963 to 3964, 2 bases duplicated (AC; older notation c.3963_3964dupAC).
Protein change: p.Arg1322fs; shifts the reading frame from arginine 1322.
Molecular consequence: frameshift variant.
Genome position (GRCh38, 1-based): chr13:51,937,333-51,937,334, GT duplicated on the plus strand (AC on the coding strand, the reverse complement: ATP7B is on the minus strand). VCF-style (leftmost placement, unchanged base first): chr13-51937332-C-CGT. GRCh37 (hg19) VCF-style: chr13-52511468-C-CGT.
Other names: c.3342_3343dup, p.Arg1115fs (NM_001005918.3); c.3630_3631dup, p.Arg1211fs (NM_001243182.2); c.3729_3730dup, p.Arg1244fs (NM_001330578.2); c.3711_3712dup, p.Arg1238fs (NM_001330579.2); c.3963_3964dupAC (NM_000053.3); short protein forms R1211fs, R1322fs, R1115fs, R1238fs, R1244fs.
Identifiers: ClinVar variation 1416487 (VCV001416487.6), dbSNP rs2138560807, ClinGen allele CA2573149691.

ClinVar aggregate classification (germline): Pathogenic/Likely pathogenic. Review status: criteria provided, multiple submitters, no conflicts (2 of 4 stars). 2 submissions from 2 submitters: Pathogenic (1); Likely pathogenic (1). Last evaluated 2023-04-13.

Conditions:
Wilson disease (WND). Also called: Wilson's disease. Identifiers: Orphanet 905, MedGen C0019202, MONDO:0010200, OMIM 277900. Disease mechanism: loss of function.

Submissions (2):

Women's Health and Genetics/Laboratory Corporation of America, LabCorp
Classification: Likely pathogenic for Wilson disease. Last evaluated: 2023-04-13. Review status: criteria provided, single submitter. Criteria: LabCorp Variant Classification Summary - May 2015. Collection method: clinical testing. Allele origin: germline.
Comment: Variant summary: ATP7B c.3963_3964dupAC (p.Arg1322HisfsX9) results in a premature termination codon, predicted to cause a truncation of the encoded protein or absence of the protein due to nonsense mediated decay, which are commonly known mechanisms for disease. Truncations downstream of this position have been classified as pathogenic by our laboratory. The variant was absent in 249578 control chromosomes (gnomAD). To our knowledge, no occurrence of c.3963_3964dupAC in individuals affected with Wilson Disease and no experimental evidence demonstrating its impact on protein function have been reported. One ClinVar submitter has assessed the variant since 2014: the variant was classified as pathogenic. Based on the evidence outlined above, the variant was classified as likely pathogenic.

Labcorp Genetics (formerly Invitae), Labcorp
Classification: Pathogenic for Wilson disease. Last evaluated: 2021-06-24. Review status: criteria provided, single submitter. Criteria: Invitae Variant Classification Sherloc (09022015). Collection method: clinical testing. Allele origin: germline.
Comment: This variant has not been reported in the literature in individuals with ATP7B-related conditions. For these reasons, this variant has been classified as Pathogenic. This variant is not present in population databases (ExAC no frequency). This sequence change creates a premature translational stop signal (p.Arg1322Hisfs*9) in the ATP7B gene. It is expected to result in an absent or disrupted protein product. Loss-of-function variants in ATP7B are known to be pathogenic (PMID: 10441329, 16283883).

Literature cited by the submitters: PubMed 10441329 (cited by Labcorp Genetics (formerly Invitae), Labcorp); PubMed 16283883 (cited by Labcorp Genetics (formerly Invitae), Labcorp).